The following is an entry in ClinVar:

ClinVar aggregate classification (germline): Benign/Likely benign. Review status: criteria provided, multiple submitters, no conflicts (2 of 4 stars). 4 submissions from 4 submitters: Benign (1); Likely benign (3). Last evaluated 2026-01-31.

Conditions:
Congenital myotonia, autosomal recessive form. Also called: BECKER DISEASE; myotonia congenita, autosomal recessive; Becker Generalized Myotonia. Identifiers: Orphanet 614, MedGen C0751360, MONDO:0009715, OMIM 255700.
Congenital myotonia, autosomal dominant form (THD). Also called: Myotonia congenita autosomal dominant; THOMSEN DISEASE. Identifiers: Orphanet 614, MedGen C2936781, MONDO:0008055, OMIM 160800.

Allele frequency attached by ClinVar (database versions not stated): gnomAD exomes 0.00222; ExAC 0.00274; 1000 Genomes Project 30x 0.00734; 1000 Genomes Project 0.00739; gnomAD 0.00778 and 0.00833; TOPMed 0.00943; ESP Exome Variant Server 0.00969.
gnomAD v4.1: 2,388 of 1,574,528 alleles (0.15%); highest among the groups gnomAD compares: African/African-American, 2.6%; 28 homozygotes.

Submissions (4):

Labcorp Genetics (formerly Invitae), Labcorp
Classification: Benign for Congenital myotonia, autosomal recessive form; Congenital myotonia, autosomal dominant form. Last evaluated: 2026-01-31. Review status: criteria provided, single submitter. Criteria: Invitae Variant Classification Sherloc (09022015). Collection method: clinical testing. Allele origin: germline.

Genomic Medicine Center of Excellence, King Faisal Specialist Hospital and Research Centre
Classification: Likely benign. Last evaluated: 2025-08-18. Review status: criteria provided, single submitter. Criteria: ACMG Guidelines, 2015. Collection method: clinical testing. Allele origin: germline.

Fulgent Genetics
Classification: Likely benign for Congenital myotonia, autosomal dominant form; Congenital myotonia, autosomal recessive form. Last evaluated: 2022-05-17. Review status: criteria provided, single submitter. Criteria: ACMG Guidelines, 2015. Collection method: clinical testing. Allele origin: unknown.

GeneDx
Classification: Likely benign. Last evaluated: 2017-07-27. Review status: criteria provided, single submitter. Criteria: GeneDx Variant Classification (06012015). Collection method: clinical testing. Allele origin: germline. Affected: yes.
Comment: This variant is considered likely benign or benign based on one or more of the following criteria: it is a conservative change, it occurs at a poorly conserved position in the protein, it is predicted to be benign by multiple in silico algorithms, and/or has population frequency not consistent with disease.

NM_000083.3(CLCN1):c.1065-16T>C

Gene: CLCN1 (chloride voltage-gated channel 1; plus strand). Cytogenetic location: 7q34.
Variant type: single nucleotide variant.
Coding change: c.1065-16T>C on transcript NM_000083.3 (MANE Select); 16 bases into the intron before coding-DNA position 1065, T replaced by C.
Molecular consequence: intron variant.
Genome position (GRCh38, 1-based): chr7:143,331,535, T>C. VCF-style: chr7-143331535-T-C. GRCh37 (hg19) VCF-style: chr7-143028628-T-C.
Identifiers: ClinVar variation 386985 (VCV000386985.12), dbSNP rs113764654, ClinGen allele CA4537233.